The following is an entry in ClinVar:

ClinVar aggregate classification (germline): Uncertain significance. Review status: criteria provided, multiple submitters, no conflicts (2 of 4 stars). 3 submissions from 3 submitters: Uncertain significance (3). Last evaluated 2024-02-24.

Conditions:
Neurofibromatosis-Noonan syndrome (NFNS). Also called: NEUROFIBROMATOSIS WITH NOONAN PHENOTYPE. Identifiers: Orphanet 638, MedGen C2931482, MONDO:0011035, OMIM 601321. Disease mechanism: loss of function.
Café-au-lait macules with pulmonary stenosis (WTSN). Also called: PULMONIC STENOSIS WITH CAFE-AU-LAIT SPOTS. Identifiers: MedGen C0553586, MONDO:0008672, OMIM 193520.
Juvenile myelomonocytic leukemia (JMML). Also called: LEUKEMIA, JUVENILE MYELOMONOCYTIC, SOMATIC. Identifiers: Orphanet 86834, MedGen C0349639, MONDO:0011908, OMIM 607785, HP:0012209.
Neurofibromatosis, type 1 (NF1). Also called: Neurofibromatosis, type I; Peripheral type neurofibromatosis; VON RECKLINGHAUSEN DISEASE; NEUROFIBROMATOSIS, TYPE I, SOMATIC. Identifiers: Orphanet 636, MedGen C0027831, MONDO:0018975, OMIM 162200. Disease mechanism: loss of function.
Neurofibromatosis, familial spinal (FSNF). Identifiers: Orphanet 636, MedGen C1834235, MONDO:0008078, OMIM 162210. Disease mechanism: loss of function.
Hereditary cancer-predisposing syndrome. Also called: Neoplastic Syndromes, Hereditary; Hereditary Cancer Syndrome; Hereditary neoplastic syndrome; Tumor predisposition. Identifiers: Orphanet 140162, MedGen C0027672, MeSH D009386, MONDO:0015356.
Cardiovascular phenotype. Identifiers: MedGen CN230736.

Allele frequency attached by ClinVar (database versions not stated): gnomAD exomes below 0.00001 and 0.00001; ExAC 0.00001.
gnomAD v4.1: 5 of 1,614,098 alleles (0.00031%); highest among the groups gnomAD compares: Non-Finnish European, 0.00025%; no homozygotes.

Submissions (3):

Ambry Genetics
Classification: Uncertain significance for Cardiovascular phenotype; Hereditary cancer-predisposing syndrome. Last evaluated: 2024-02-24. Review status: criteria provided, single submitter. Criteria: Ambry Variant Classification Scheme 2023. Collection method: clinical testing. Allele origin: germline.
Comment: The p.P1359T variant (also known as c.4075C>A), located in coding exon 30 of the NF1 gene, results from a C to A substitution at nucleotide position 4075. The proline at codon 1359 is replaced by threonine, an amino acid with highly similar properties. This amino acid position is well conserved in available vertebrate species. In addition, this alteration is predicted to be tolerated by in silico analysis. Since supporting evidence is limited at this time, the clinical significance of this alteration remains unclear.

Baylor Genetics
Classification: Uncertain significance for Juvenile myelomonocytic leukemia. Last evaluated: 2023-08-04. Review status: criteria provided, single submitter. Criteria: ACMG Guidelines, 2015. Collection method: clinical testing. Allele origin: unknown.

Fulgent Genetics
Classification: Uncertain significance for Neurofibromatosis, type 1; Neurofibromatosis, familial spinal; Café-au-lait macules with pulmonary stenosis; Neurofibromatosis-Noonan syndrome; Juvenile myelomonocytic leukemia. Last evaluated: 2022-03-02. Review status: criteria provided, single submitter. Criteria: ACMG Guidelines, 2015. Collection method: clinical testing. Allele origin: unknown.

NM_001042492.3(NF1):c.4075C>A (p.Pro1359Thr)

Gene: NF1 (neurofibromin 1; plus strand). Cytogenetic location: 17q11.2.
Variant type: single nucleotide variant.
Coding change: c.4075C>A on transcript NM_001042492.3 (MANE Select); coding-DNA position 4075, C replaced by A.
Protein change: p.Pro1359Thr; replaces proline 1359 with threonine.
Molecular consequence: missense variant.
Genome position (GRCh38, 1-based): chr17:31,249,084, C>A. VCF-style: chr17-31249084-C-A. GRCh37 (hg19) VCF-style: chr17-29576102-C-A.
Other names: c.4075C>A, p.Pro1359Thr (NM_000267.4); short protein forms P1359T.
Identifiers: ClinVar variation 824568 (VCV000824568.6), dbSNP rs745931495, ClinGen allele CA8486321.
Genomic context (GRCh38, chr17:31,249,084, plus strand): 5'-CTCCTTCAGATGACTGAAAAGTTCTTCCATGCCATCATCAGTTCCTCCTCAGAATTCCCC[C>A]CTCAACTTCGAAGTGTGTGCCACTGTTTATACCAGGTATGCTTACAGTTAGAGATTACCA-3'
Protein context (NP_001035957.1, residues 1349-1369): AIISSSSEFP[Pro1359Thr]QLRSVCHCLY